The following is an entry in ClinVar:

NM_172351.3(CD46):c.36T>C (p.Pro12=)

Genes: CD46 (CD46 molecule; plus strand), LOC129932405 (ATAC-STARR-seq lymphoblastoid active region 2449; plus strand). Cytogenetic location: 1q32.2.
Variant type: single nucleotide variant.
Coding change: c.36T>C on transcript NM_172351.3 (MANE Select); coding-DNA position 36, T replaced by C.
Protein change: p.Pro12=; no amino-acid change (proline 12 retained).
Molecular consequence: synonymous variant.
Genome position (GRCh38, 1-based): chr1:207,752,248, T>C. VCF-style: chr1-207752248-T-C. GRCh37 (hg19) VCF-style: chr1-207925593-T-C.
Other names: c.36T>C, p.Pro12= (NM_002389.4, NM_153826.4, NM_172350.3 and 8 more transcripts).
Identifiers: ClinVar variation 4291213 (VCV004291213.1).

ClinVar aggregate classification (germline): Likely benign (1 of 4 stars; one submission).

Conditions:
Atypical hemolytic-uremic syndrome. Identifiers: Orphanet 2134, MedGen C2931788, MONDO:0016244.

Submission:

Genomenon, Inc
Classification: Likely benign for Atypical hemolytic-uremic syndrome. Last evaluated: 2025-10-02. Review status: criteria provided, single submitter. Criteria: Genomenon Sequence Variant Interpretation Standards. Collection method: curation. Allele origin: germline. Affected: no.
Comment: CD46 p.Pro12= (c.36T>C) is a synonymous variant that retains Proline at residue 12. This variant has been reported in the published literature (PMID:36211394). This synonymous variant is not predicted to impact splicing. It is absent or not present at a significant frequency in gnomAD. In conclusion, we classify CD46 p.Pro12= (c.36T>C) as a likely benign variant.

Literature cited by the submitters: PubMed 36211394.